The following is an entry in ClinVar:

ClinVar aggregate classification (germline): Uncertain significance. Review status: criteria provided, multiple submitters, no conflicts (2 of 4 stars). 2 submissions from 2 submitters: Uncertain significance (2). Last evaluated 2025-04-30.

Conditions:
Epidermolysis bullosa simplex 5C, with pyloric atresia (EBS5C). Also called: PLEC1-Related Epidermolysis Bullosa with Pyloric Atresia; PLEC-Related Epidermolysis Bullosa with Pyloric Atresia; Epidermolysis bullosa simplex with pyloric atresia. Identifiers: Orphanet 158684, MedGen C2677349, MONDO:0012807, OMIM 612138.
Epidermolysis bullosa simplex 5B, with muscular dystrophy (EBS5B). Also called: EPIDERMOLYSIS BULLOSA SIMPLEX AND LIMB-GIRDLE MUSCULAR DYSTROPHY; Epidermolysis bullosa simplex with muscular dystrophy. Identifiers: Orphanet 257, MedGen C2931072, MONDO:0009181, OMIM 226670.
Epidermolysis bullosa simplex, Ogna type (EBS5A). Also called: Pidermolysis bullosa simplex 5A, Ogna type; EPIDERMOLYSIS BULLOSA SIMPLEX 5A, OGNA TYPE. Identifiers: Orphanet 79401, MedGen C0432317, MONDO:0007555, OMIM 131950.
Autosomal recessive limb-girdle muscular dystrophy type 2Q (LGMDR17). Also called: MUSCULAR DYSTROPHY, LIMB-GIRDLE, AUTOSOMAL RECESSIVE 17. Identifiers: Orphanet 254361, MedGen C3150989, MONDO:0013390, OMIM 613723.
Epidermolysis bullosa simplex with nail dystrophy (EBS5D). Identifiers: MedGen C4225309, MONDO:0014661, OMIM 616487.
Inborn genetic diseases. Identifiers: MedGen C0950123, MeSH D030342.

Submissions (2):

Labcorp Genetics (formerly Invitae), Labcorp
Classification: Uncertain significance for Autosomal recessive limb-girdle muscular dystrophy type 2Q; Epidermolysis bullosa simplex, Ogna type; Epidermolysis bullosa simplex with nail dystrophy; Epidermolysis bullosa simplex 5C, with pyloric atresia; Epidermolysis bullosa simplex 5B, with muscular dystrophy. Last evaluated: 2025-04-30. Review status: criteria provided, single submitter. Criteria: Invitae Variant Classification Sherloc (09022015). Collection method: clinical testing. Allele origin: germline.
Comment: This sequence change replaces alanine, which is neutral and non-polar, with glycine, which is neutral and non-polar, at codon 2335 of the PLEC protein (p.Ala2335Gly). This variant is not present in population databases (gnomAD no frequency). This variant has not been reported in the literature in individuals affected with PLEC-related conditions. ClinVar contains an entry for this variant (Variation ID: 3214709). Invitae Evidence Modeling of protein sequence and biophysical properties (such as structural, functional, and spatial information, amino acid conservation, physicochemical variation, residue mobility, and thermodynamic stability) has been performed for this missense variant. However, the output from this modeling did not meet the statistical confidence thresholds required to predict the impact of this variant on PLEC protein function. In summary, the available evidence is currently insufficient to determine the role of this variant in disease. Therefore, it has been classified as a Variant of Uncertain Significance.

Ambry Genetics
Classification: Uncertain significance for Inborn genetic diseases. Last evaluated: 2024-01-04. Review status: criteria provided, single submitter. Criteria: Ambry Variant Classification Scheme 2023. Collection method: clinical testing. Allele origin: germline.

NM_201384.3(PLEC):c.6923C>G (p.Ala2308Gly)

Gene: PLEC (plectin; minus strand). Cytogenetic location: 8q24.3.
Variant type: single nucleotide variant.
Coding change: c.6923C>G on transcript NM_201384.3 (MANE Select); coding-DNA position 6923, C replaced by G.
Protein change: p.Ala2308Gly; replaces alanine 2308 with glycine.
Molecular consequence: missense variant. On other transcripts: intron variant (1).
Genome position (GRCh38, 1-based): chr8:143,923,006, G>C on the plus strand (C>G on the coding strand, the complement: PLEC is on the minus strand). VCF-style: chr8-143923006-G-C. GRCh37 (hg19) VCF-style: chr8-144997174-G-C.
Other names: c.7004C>G, p.Ala2335Gly (NM_000445.5); c.6881C>G, p.Ala2294Gly (NM_201378.4); c.6857C>G, p.Ala2286Gly (NM_201379.3); c.7334C>G, p.Ala2445Gly (NM_201380.4); c.6827C>G, p.Ala2276Gly (NM_201381.3); c.6923C>G, p.Ala2308Gly (NM_201382.4); c.6935C>G, p.Ala2312Gly (NM_201383.3); c.4126-611C>G (NM_001410941.1); short protein forms A2294G, A2335G, A2276G, A2308G, A2312G, A2445G, A2286G.
Identifiers: ClinVar variation 3214709 (VCV003214709.2), dbSNP rs1554691120, ClinGen allele CA372531501.
Genomic context (GRCh38, chr8:143,923,006, plus strand): 5'-TCAGCCTTGAGTCGCGTGGCCTCCTGCACCGCCTGCATCTTCTCCTTGAGCATCTTCTCT[G>C]CCAAGGCCCGCTGCTGTGCCAGGTCCTCCTCTGCCAGCTGCCGCAGTCGCGCAGCCTCTT-3'
Protein context (NP_958786.1, residues 2298-2318): EEDLAQQRAL[Ala2308Gly]EKMLKEKMQA